The following is an entry in ClinVar:

ClinVar aggregate classification (germline): Likely pathogenic (1 of 4 stars; one submission).

Conditions:
Cornelia de Lange syndrome 1 (CDLS1). Also called: Brachmann de Lange syndrome; NIPBL-Related Cornelia de Lange Syndrome; TYPUS DEGENERATIVUS AMSTELODAMENSIS. Identifiers: Orphanet 199, MedGen C4551851, MONDO:0007387, OMIM 122470.

Submission:

Labcorp Genetics (formerly Invitae), Labcorp
Classification: Likely pathogenic for Cornelia de Lange syndrome 1. Last evaluated: 2022-08-01. Review status: criteria provided, single submitter. Criteria: Invitae Variant Classification Sherloc (09022015). Collection method: clinical testing. Allele origin: germline.
Comment: In summary, the currently available evidence indicates that the variant is pathogenic, but additional data are needed to prove that conclusively. Therefore, this variant has been classified as Likely Pathogenic. Algorithms developed to predict the effect of sequence changes on RNA splicing suggest that this variant may disrupt the consensus splice site. Disruption of this splice site has been observed in individual(s) with clinical features of Cornelia de Lange syndrome (Invitae). This variant is not present in population databases (gnomAD no frequency). This sequence change affects a donor splice site in intron 14 of the NIPBL gene. It is expected to disrupt RNA splicing. Variants that disrupt the donor or acceptor splice site typically lead to a loss of protein function (PMID: 16199547), and loss-of-function variants in NIPBL are known to be pathogenic (PMID: 15318302, 19763162, 23505322, 29995837).

Literature cited by the submitters: PubMed 16199547; PubMed 15318302; PubMed 19763162; PubMed 23505322; PubMed 29995837.

NM_133433.4(NIPBL):c.3664+1G>A

Gene: NIPBL (NIPBL cohesin loading factor; plus strand). Cytogenetic location: 5p13.2.
Variant type: single nucleotide variant.
Coding change: c.3664+1G>A on transcript NM_133433.4 (MANE Select); the canonical splice donor site of the intron after coding-DNA position 3664, G replaced by A.
Molecular consequence: splice donor variant.
Genome position (GRCh38, 1-based): chr5:37,001,079, G>A. VCF-style: chr5-37001079-G-A. GRCh37 (hg19) VCF-style: chr5-37001181-G-A.
Other names: c.3664+1G>A (NM_015384.5).
Identifiers: ClinVar variation 2021049 (VCV002021049.4), dbSNP rs2478089661, ClinGen allele CA359519625.
Genomic context (GRCh38, chr5:37,001,079, plus strand): 5'-TCACAGCCTCAATAGAGAATATTTTGGATAATTTGGAAGATATGGATTTTACTGCGTTTG[G>A]TAAAATCAACTTAAAATACATTTACACATACTCTAAGTGTCTTAACTGTATCCTCTAGAG-3'